The following is an entry in ClinVar:

NM_001317778.2(SFTPC):c.95A>T (p.His32Leu)

Gene: SFTPC (surfactant protein C; plus strand). Cytogenetic location: 8p21.3.
Variant type: single nucleotide variant.
Coding change: c.95A>T on transcript NM_001317778.2 (MANE Select); coding-DNA position 95, A replaced by T.
Protein change: p.His32Leu; replaces histidine 32 with leucine.
Molecular consequence: missense variant. On other transcripts: intron variant (2).
Genome position (GRCh38, 1-based): chr8:22,162,626, A>T. VCF-style: chr8-22162626-A-T. GRCh37 (hg19) VCF-style: chr8-22020139-A-T.
Other names: c.95A>T, p.His32Leu (NM_001172357.2, NM_001172410.2, NM_001317780.2 and 8 more transcripts); c.43-454A>T (NM_001385660.1, NM_001317779.2); short protein forms H32L.
Identifiers: ClinVar variation 1720490 (VCV001720490.5), dbSNP rs2538941008, ClinGen allele CA370536730.

ClinVar aggregate classification (germline): Uncertain significance (1 of 4 stars; one submission).

Submission:

Labcorp Genetics (formerly Invitae), Labcorp
Classification: Uncertain significance. Last evaluated: 2022-09-27. Review status: criteria provided, single submitter. Criteria: Invitae Variant Classification Sherloc (09022015). Collection method: clinical testing. Allele origin: germline.
Comment: In summary, the available evidence is currently insufficient to determine the role of this variant in disease. Therefore, it has been classified as a Variant of Uncertain Significance. Algorithms developed to predict the effect of missense changes on protein structure and function are either unavailable or do not agree on the potential impact of this missense change (SIFT: "Deleterious"; PolyPhen-2: "Benign"; Align-GVGD: "Class C15"). This variant has not been reported in the literature in individuals affected with SFTPC-related conditions. This variant is not present in population databases (gnomAD no frequency). This sequence change replaces histidine, which is basic and polar, with leucine, which is neutral and non-polar, at codon 32 of the SFTPC protein (p.His32Leu).